The following is an entry in ClinVar:

ClinVar aggregate classification (germline): Uncertain significance. Review status: criteria provided, multiple submitters, no conflicts (2 of 4 stars). 3 submissions from 3 submitters: Uncertain significance (3). Last evaluated 2025-09-05.

Conditions:
Inborn genetic diseases. Identifiers: MedGen C0950123, MeSH D030342.
Intellectual disability, autosomal recessive 53 (NEDHSCA). Also called: Mental retardation, autosomal recessive 53; NEURODEVELOPMENTAL DISORDER WITH OR WITHOUT HYPOTONIA, SEIZURES, AND CEREBELLAR ATROPHY; GLYCOSYLPHOSPHATIDYLINOSITOL BIOSYNTHESIS DEFECT 13. Identifiers: Orphanet 488635, MedGen C4310794, MONDO:0014832, OMIM 616917.

Allele frequency attached by ClinVar (database versions not stated): gnomAD exomes 0.00002 and 0.00006; ExAC 0.00008.
gnomAD v4.1: 34 of 1,614,124 alleles (0.0021%); highest among the groups gnomAD compares: Admixed American, 0.017%; no homozygotes.

Submissions (3):

Ambry Genetics
Classification: Uncertain significance for Inborn genetic diseases. Last evaluated: 2025-09-05. Review status: criteria provided, single submitter. Criteria: Ambry Variant Classification Scheme 2023. Collection method: clinical testing. Allele origin: germline.

GeneDx
Classification: Uncertain significance. Last evaluated: 2024-02-05. Review status: criteria provided, single submitter. Criteria: GeneDx Variant Classification Process June 2021. Collection method: clinical testing. Allele origin: germline. Affected: yes.
Comment: In silico analysis supports that this missense variant has a deleterious effect on protein structure/function; Has not been previously published as pathogenic or benign to our knowledge

Labcorp Genetics (formerly Invitae), Labcorp
Classification: Uncertain significance for Intellectual disability, autosomal recessive 53. Last evaluated: 2022-08-23. Review status: criteria provided, single submitter. Criteria: Invitae Variant Classification Sherloc (09022015). Collection method: clinical testing. Allele origin: germline.
Comment: This sequence change replaces threonine, which is neutral and polar, with methionine, which is neutral and non-polar, at codon 891 of the PIGG protein (p.Thr891Met). This variant is present in population databases (rs761022630, gnomAD 0.03%). This variant has not been reported in the literature in individuals affected with PIGG-related conditions. ClinVar contains an entry for this variant (Variation ID: 1424752). Algorithms developed to predict the effect of missense changes on protein structure and function are either unavailable or do not agree on the potential impact of this missense change (SIFT: "Deleterious"; PolyPhen-2: "Probably Damaging"; Align-GVGD: "Class C0"). In summary, the available evidence is currently insufficient to determine the role of this variant in disease. Therefore, it has been classified as a Variant of Uncertain Significance.

NM_001127178.3(PIGG):c.2672C>T (p.Thr891Met)

Gene: PIGG (phosphatidylinositol glycan anchor biosynthesis class G (EMM blood group); plus strand). Cytogenetic location: 4p16.3.
Variant type: single nucleotide variant.
Coding change: c.2672C>T on transcript NM_001127178.3 (MANE Select); coding-DNA position 2672, C replaced by T.
Protein change: p.Thr891Met; replaces threonine 891 with methionine.
Molecular consequence: missense variant. On other transcripts: non-coding transcript variant (10).
Genome position (GRCh38, 1-based): chr4:533,918, C>T. VCF-style: chr4-533918-C-T. GRCh37 (hg19) VCF-style: chr4-527707-C-T.
Other names: c.2405C>T, p.Thr802Met (NM_001289051.2, NM_001345986.2); c.2273C>T, p.Thr758Met (NM_001289052.2); c.2381C>T, p.Thr794Met (NM_001345987.2); c.1643C>T, p.Thr548Met (NM_001345988.2); c.1139C>T, p.Thr380Met (NM_001345990.2, NM_001345991.2); c.1574C>T, p.Thr525Met (NM_001345994.2); c.2648C>T, p.Thr883Met (NM_017733.5); c.2672C>T (NM_001127178.2, NM_001127178.1); short protein forms T758M, T794M, T380M, T525M, T802M, T891M, T548M, T883M.
Identifiers: ClinVar variation 1424752 (VCV001424752.7), dbSNP rs761022630, ClinGen allele CA2793712.
Genomic context (GRCh38, chr4:533,918, plus strand): 5'-GCTTCGTGGGCTTAGACACCTACGTGGAAATCCCAGCCGTGCTCCTGACAGCGTTTGGGA[C>T]GTACGCAGGGCCTGTGCTGTGGGCCAGCCACTTAGTGCACTTCCTGAGCTCAGAAACACG-3'
Protein context (NP_001120650.1, residues 881-901): IPAVLLTAFG[Thr891Met]YAGPVLWASH